The following is an entry in ClinVar:

ClinVar aggregate classification (germline): Conflicting classifications of pathogenicity. Review status: criteria provided, conflicting classifications (1 of 4 stars). 3 submissions from 3 submitters: Uncertain significance (1); Likely benign (2). Last evaluated 2024-07-01.

Conditions:
Autosomal dominant intellectual disability-craniofacial anomalies-cardiac defects syndrome (ARTHS). Also called: KAT6A syndrome; Arboleda-Tham syndrome; Mental retardation, autosomal dominant 32. Identifiers: Orphanet 457193, MedGen C4225396, MONDO:0014558, OMIM 616268.

gnomAD v4.1: 3 of 1,613,968 alleles (0.00019%); highest among the groups gnomAD compares: Admixed American, 0.0033%; no homozygotes.

Submissions (3):

Labcorp Genetics (formerly Invitae), Labcorp
Classification: Likely benign. Last evaluated: 2024-07-01. Review status: criteria provided, single submitter. Criteria: Invitae Variant Classification Sherloc (09022015). Collection method: clinical testing. Allele origin: germline.

Revvity Omics, Revvity
Classification: Uncertain significance for Autosomal dominant intellectual disability-craniofacial anomalies-cardiac defects syndrome. Last evaluated: 2022-03-01. Review status: criteria provided, single submitter. Criteria: ACMG Guidelines, 2015. Collection method: clinical testing. Allele origin: germline.

GeneDx
Classification: Likely benign. Last evaluated: 2020-10-08. Review status: criteria provided, single submitter. Criteria: GeneDx Variant Classification Process June 2021. Collection method: clinical testing. Allele origin: germline. Affected: yes.
Comment: Not observed in large population cohorts (Lek et al., 2016); In silico analysis supports that this missense variant does not alter protein structure/function; Has not been previously published as pathogenic or benign to our knowledge

NM_006766.5(KAT6A):c.3264G>T (p.Leu1088Phe)

Gene: KAT6A (lysine acetyltransferase 6A; minus strand). Cytogenetic location: 8p11.21.
Variant type: single nucleotide variant.
Coding change: c.3264G>T on transcript NM_006766.5 (MANE Select); coding-DNA position 3264, G replaced by T.
Protein change: p.Leu1088Phe; replaces leucine 1088 with phenylalanine.
Molecular consequence: missense variant.
Genome position (GRCh38, 1-based): chr8:41,937,344, C>A on the plus strand (G>T on the coding strand, the complement: KAT6A is on the minus strand). VCF-style: chr8-41937344-C-A. GRCh37 (hg19) VCF-style: chr8-41794862-C-A.
Other names: short protein forms L1088F.
Identifiers: ClinVar variation 1223761 (VCV001223761.9), dbSNP rs978156504, ClinGen allele CA175941505.